The following is an entry in ClinVar:

NM_000465.4(BARD1):c.1958T>C (p.Ile653Thr)

Gene: BARD1 (BRCA1 associated RING domain 1; minus strand). Cytogenetic location: 2q35.
Variant type: single nucleotide variant.
Coding change: c.1958T>C on transcript NM_000465.4 (MANE Select); coding-DNA position 1958, T replaced by C.
Protein change: p.Ile653Thr; replaces isoleucine 653 with threonine.
Molecular consequence: missense variant. On other transcripts: non-coding transcript variant (3).
Genome position (GRCh38, 1-based): chr2:214,730,454, A>G on the plus strand (T>C on the coding strand, the complement: BARD1 is on the minus strand). VCF-style: chr2-214730454-A-G. GRCh37 (hg19) VCF-style: chr2-215595178-A-G.
Other names: c.1901T>C, p.Ile634Thr (NM_001282543.2); c.605T>C, p.Ile202Thr (NM_001282545.2); c.548T>C, p.Ile183Thr (NM_001282548.2); c.419T>C, p.Ile140Thr (NM_001282549.2); short protein forms I140T, I183T, I202T, I634T, I653T.
Identifiers: ClinVar variation 820414 (VCV000820414.4), dbSNP rs1574706961, ClinGen allele CA350451159.
Genomic context (GRCh38, chr2:214,730,454, plus strand): 5'-TATTAAAAGAAAAATACCAGCTGTTCTCTGTTGAGCCTGCTTCTGCGTGGACCTTCAGGA[A>G]TTTCATACTTTTCTTCCTGTTCACATACTTTTCTTCGTAGACATGCTTTTACCCCTGACA-3'
Protein context (NP_000456.2, residues 643-663): KVCEQEEKYE[Ile653Thr]PEGPRRSRLN

ClinVar aggregate classification (germline): Uncertain significance (1 of 4 stars; one submission).

Conditions:
Hereditary cancer-predisposing syndrome. Also called: Neoplastic Syndromes, Hereditary; Tumor predisposition; Hereditary Cancer Syndrome; Hereditary neoplastic syndrome. Identifiers: Orphanet 140162, MedGen C0027672, MeSH D009386, MONDO:0015356.

Allele frequency attached by ClinVar (database versions not stated): gnomAD exomes below 0.00001.
gnomAD v4.1: 1 of 1,613,800 alleles (0.000062%); highest among the groups gnomAD compares: Non-Finnish European, 0.000085%; no homozygotes.

Submission:

Ambry Genetics
Classification: Uncertain significance for Hereditary cancer-predisposing syndrome. Last evaluated: 2019-09-16. Review status: criteria provided, single submitter. Criteria: Ambry Variant Classification Scheme 2023. Collection method: clinical testing. Allele origin: germline.
Comment: The p.I653T variant (also known as c.1958T>C), located in coding exon 10 of the BARD1 gene, results from a T to C substitution at nucleotide position 1958. The isoleucine at codon 653 is replaced by threonine, an amino acid with similar properties. This amino acid position is not well conserved in available vertebrate species. In addition, this alteration is predicted to be tolerated by in silico analysis. Since supporting evidence is limited at this time, the clinical significance of this alteration remains unclear.